The following is an entry in ClinVar:

NM_000400.4(ERCC2):c.1151A>G (p.His384Arg)

Gene: ERCC2 (ERCC excision repair 2, TFIIH core complex helicase subunit; minus strand). Cytogenetic location: 19q13.32.
Variant type: single nucleotide variant.
Coding change: c.1151A>G on transcript NM_000400.4 (MANE Select); coding-DNA position 1151, A replaced by G.
Protein change: p.His384Arg; replaces histidine 384 with arginine.
Molecular consequence: missense variant.
Genome position (GRCh38, 1-based): chr19:45,361,610, T>C on the plus strand (A>G on the coding strand, the complement: ERCC2 is on the minus strand). VCF-style: chr19-45361610-T-C. GRCh37 (hg19) VCF-style: chr19-45864868-T-C.
Other names: c.1079A>G, p.His360Arg (NM_001130867.2); short protein forms H360R, H384R.
Identifiers: ClinVar variation 3231623 (VCV003231623.1), dbSNP rs2514023471, ClinGen allele CA406370076.
Genomic context (GRCh38, chr19:45,361,610, plus strand): 5'-GCAAAGTTAGCAAGGAGGGTGAGCGGGGAGAAGTCAGCAAGGTCGGTGATCTCCAGAGTA[T>C]GCAGCAGGGACCGGAGGCGTTCAGCACAGAATCTGGCGGGGAGGAGAGACGGGGTCGGGG-3'
Protein context (NP_000391.1, residues 374-394): FCAERLRSLL[His384Arg]TLEITDLADF

ClinVar aggregate classification (germline): Uncertain significance (1 of 4 stars; one submission).

Conditions:
Inborn genetic diseases. Identifiers: MedGen C0950123, MeSH D030342.

Submission:

Ambry Genetics
Classification: Uncertain significance for Inborn genetic diseases. Last evaluated: 2024-03-14. Review status: criteria provided, single submitter. Criteria: Ambry Variant Classification Scheme 2023. Collection method: clinical testing. Allele origin: germline.
Comment: The p.H384R variant (also known as c.1151A>G), located in coding exon 12 of the ERCC2 gene, results from an A to G substitution at nucleotide position 1151. The histidine at codon 384 is replaced by arginine, an amino acid with highly similar properties. This amino acid position is conserved. In addition, the in silico prediction for this alteration is inconclusive. Based on the available evidence, the clinical significance of this alteration remains unclear.